The following is an entry in ClinVar:

NM_014290.3(TDRD7):c.2344A>C (p.Met782Leu)

Gene: TDRD7 (tudor domain containing 7; plus strand). Cytogenetic location: 9q22.33.
Variant type: single nucleotide variant.
Coding change: c.2344A>C on transcript NM_014290.3 (MANE Select); coding-DNA position 2344, A replaced by C.
Protein change: p.Met782Leu; replaces methionine 782 with leucine.
Molecular consequence: missense variant.
Genome position (GRCh38, 1-based): chr9:97,480,870, A>C. VCF-style: chr9-97480870-A-C. GRCh37 (hg19) VCF-style: chr9-100243152-A-C.
Other names: c.2122A>C, p.Met708Leu (NM_001302884.2); short protein forms M782L, M708L.
Identifiers: ClinVar variation 1388185 (VCV001388185.6), dbSNP rs752597965, ClinGen allele CA5146914.

ClinVar aggregate classification (germline): Uncertain significance (1 of 4 stars; one submission).

Conditions:
Cataract 36. Identifiers: MedGen C3151304, MONDO:0013484, OMIM 613887.

gnomAD v4.1: 2 of 1,614,128 alleles (0.00012%); highest among the groups gnomAD compares: East Asian, 0.0022%; no homozygotes.

Submission:

Labcorp Genetics (formerly Invitae), Labcorp
Classification: Uncertain significance for Cataract 36. Last evaluated: 2025-01-27. Review status: criteria provided, single submitter. Criteria: Invitae Variant Classification Sherloc (09022015). Collection method: clinical testing. Allele origin: germline.
Comment: This sequence change replaces methionine, which is neutral and non-polar, with leucine, which is neutral and non-polar, at codon 782 of the TDRD7 protein (p.Met782Leu). This variant is present in population databases (rs752597965, gnomAD 0.003%). This variant has not been reported in the literature in individuals affected with TDRD7-related conditions. ClinVar contains an entry for this variant (Variation ID: 1388185). An algorithm developed to predict the effect of missense changes on protein structure and function (PolyPhen-2) suggests that this variant is likely to be tolerated. In summary, the available evidence is currently insufficient to determine the role of this variant in disease. Therefore, it has been classified as a Variant of Uncertain Significance.